The following is an entry in ClinVar:

NM_032043.3(BRIP1):c.3699C>A (p.Asn1233Lys)

Gene: BRIP1 (BRCA1 interacting DNA helicase 1; minus strand). Cytogenetic location: 17q23.2.
Variant type: single nucleotide variant.
Coding change: c.3699C>A on transcript NM_032043.3 (MANE Select); coding-DNA position 3699, C replaced by A.
Protein change: p.Asn1233Lys; replaces asparagine 1233 with lysine.
Molecular consequence: missense variant.
Genome position (GRCh38, 1-based): chr17:61,683,347, G>T on the plus strand (C>A on the coding strand, the complement: BRIP1 is on the minus strand). VCF-style: chr17-61683347-G-T. GRCh37 (hg19) VCF-style: chr17-59760708-G-T.
Other names: short protein forms N1233K.
Identifiers: ClinVar variation 407800 (VCV000407800.16), dbSNP rs1060501734, ClinGen allele CA16615757.

ClinVar aggregate classification (germline): Uncertain significance. Review status: criteria provided, multiple submitters, no conflicts (2 of 4 stars). 3 submissions from 3 submitters: Uncertain significance (3). Last evaluated 2025-10-22.

Conditions:
Hereditary cancer-predisposing syndrome. Also called: Hereditary neoplastic syndrome; Neoplastic Syndromes, Hereditary; Tumor predisposition; Hereditary Cancer Syndrome. Identifiers: Orphanet 140162, MedGen C0027672, MeSH D009386, MONDO:0015356.
Familial cancer of breast. Also called: Hereditary breast cancer; hereditary breast carcinoma; BREAST CANCER, FAMILIAL. Identifiers: Orphanet 227535, MedGen C0346153, MONDO:0016419, OMIM 114480. Disease mechanism: loss of function.
Fanconi anemia complementation group J. Also called: BRIP1-Related Fanconi Anemia. Identifiers: Orphanet 84, MedGen C1836860, MONDO:0012187, OMIM 609054.

Allele frequency attached by ClinVar (database versions not stated): TOPMed below 0.00001; gnomAD 0.00001; gnomAD exomes 0.00001.
gnomAD v4.1: 6 of 1,611,586 alleles (0.00037%); highest among the groups gnomAD compares: East Asian, 0.0067%; no homozygotes.

Submissions (3):

Ambry Genetics
Classification: Uncertain significance for Hereditary cancer-predisposing syndrome. Last evaluated: 2025-10-22. Review status: criteria provided, single submitter. Criteria: Ambry Variant Classification Scheme 2023. Collection method: clinical testing. Allele origin: germline.
Comment: The p.N1233K variant (also known as c.3699C>A), located in coding exon 19 of the BRIP1 gene, results from a C to A substitution at nucleotide position 3699. The asparagine at codon 1233 is replaced by lysine, an amino acid with similar properties. This amino acid position is poorly conserved in available vertebrate species. In addition, this alteration is predicted to be tolerated by in silico analysis. Since supporting evidence is limited at this time, the clinical significance of this alteration remains unclear.

Labcorp Genetics (formerly Invitae), Labcorp
Classification: Uncertain significance for Familial cancer of breast; Fanconi anemia complementation group J. Last evaluated: 2025-05-02. Review status: criteria provided, single submitter. Criteria: Invitae Variant Classification Sherloc (09022015). Collection method: clinical testing. Allele origin: germline.
Comment: This sequence change replaces asparagine, which is neutral and polar, with lysine, which is basic and polar, at codon 1233 of the BRIP1 protein (p.Asn1233Lys). This variant is present in population databases (no rsID available, gnomAD 0.02%). This variant has not been reported in the literature in individuals affected with BRIP1-related conditions. ClinVar contains an entry for this variant (Variation ID: 407800). Invitae Evidence Modeling of protein sequence and biophysical properties (such as structural, functional, and spatial information, amino acid conservation, physicochemical variation, residue mobility, and thermodynamic stability) indicates that this missense variant is not expected to disrupt BRIP1 protein function with a negative predictive value of 95%. In summary, the available evidence is currently insufficient to determine the role of this variant in disease. Therefore, it has been classified as a Variant of Uncertain Significance.

GeneDx
Classification: Uncertain significance. Last evaluated: 2023-04-04. Review status: criteria provided, single submitter. Criteria: GeneDx Variant Classification Process June 2021. Collection method: clinical testing. Allele origin: germline. Affected: yes.
Comment: Not observed at significant frequency in large population cohorts (gnomAD); In silico analysis supports that this missense variant does not alter protein structure/function; Has not been previously published as pathogenic or benign to our knowledge